The following is an entry in ClinVar:

NM_000051.4(ATM):c.4070C>G (p.Ser1357Cys)

Gene: ATM (ATM serine/threonine kinase; plus strand). Cytogenetic location: 11q22.3.
Variant type: single nucleotide variant.
Coding change: c.4070C>G on transcript NM_000051.4 (MANE Select); coding-DNA position 4070, C replaced by G.
Protein change: p.Ser1357Cys; replaces serine 1357 with cysteine.
Molecular consequence: missense variant.
Genome position (GRCh38, 1-based): chr11:108,287,676, C>G. VCF-style: chr11-108287676-C-G. GRCh37 (hg19) VCF-style: chr11-108158403-C-G.
Other names: p.S1357C:TCT>TGT; c.4070C>G, p.Ser1357Cys (NM_001351834.2); short protein forms S1357C.
Identifiers: ClinVar variation 181995 (VCV000181995.11), dbSNP rs730881390, ClinGen allele CA298354.

ClinVar aggregate classification (germline): Uncertain significance. Review status: criteria provided, multiple submitters, no conflicts (2 of 4 stars). 3 submissions from 3 submitters: Uncertain significance (3). Last evaluated 2024-12-04.

Conditions:
Ataxia-telangiectasia syndrome (AT). Also called: LOUIS-BAR SYNDROME; Cerebello-oculocutaneous telangiectasia; Immunodeficiency with ataxia telangiectasia; ATAXIA-TELANGIECTASIA, COMPLEMENTATION GROUP A; ATAXIA-TELANGIECTASIA, FRESNO VARIANT; Ataxia-telangiectasia. Identifiers: Orphanet 100, MedGen C0004135, MONDO:0008840, OMIM 208900.

Allele frequency attached by ClinVar (database versions not stated): gnomAD exomes below 0.00001.
gnomAD v4.1: 2 of 1,613,758 alleles (0.00012%); highest among the groups gnomAD compares: East Asian, 0.0022%; no homozygotes.

Submissions (3):

GeneDx
Classification: Uncertain significance. Last evaluated: 2024-12-04. Review status: criteria provided, single submitter. Criteria: GeneDx Variant Classification Process June 2021. Collection method: clinical testing. Allele origin: germline. Affected: yes.
Comment: Not observed at significant frequency in large population cohorts (gnomAD); In silico analysis indicates that this missense variant does not alter protein structure/function; Has not been previously published as pathogenic or benign to our knowledge

Labcorp Genetics (formerly Invitae), Labcorp
Classification: Uncertain significance for Ataxia-telangiectasia syndrome. Last evaluated: 2023-05-01. Review status: criteria provided, single submitter. Criteria: Invitae Variant Classification Sherloc (09022015). Collection method: clinical testing. Allele origin: germline.
Comment: An algorithm developed to predict the effect of missense changes on protein structure and function (PolyPhen-2) suggests that this variant is likely to be tolerated. This sequence change replaces serine, which is neutral and polar, with cysteine, which is neutral and slightly polar, at codon 1357 of the ATM protein (p.Ser1357Cys). This variant is present in population databases (rs730881390, gnomAD 0.006%). This variant has not been reported in the literature in individuals affected with ATM-related conditions. ClinVar contains an entry for this variant (Variation ID: 181995). In summary, the available evidence is currently insufficient to determine the role of this variant in disease. Therefore, it has been classified as a Variant of Uncertain Significance.

Mendelics
Classification: Uncertain significance for Ataxia-telangiectasia syndrome. Last evaluated: 2018-07-02. Review status: criteria provided, single submitter. Criteria: Mendelics Assertion Criteria 2017. Collection method: clinical testing. Allele origin: unknown.